The following is an entry in ClinVar:

ClinVar aggregate classification (germline): Uncertain significance (1 of 4 stars; one submission).

Conditions:
Tourette syndrome (GTS). Also called: GILLES DE LA TOURETTE SYNDROME. Identifiers: MedGen C0040517, MONDO:0007661, OMIM 137580.

Allele frequency attached by ClinVar (database versions not stated): TOPMed 0.00031; gnomAD 0.00033 and 0.00034.

Submission:

Illumina Laboratory Services, Illumina
Classification: Uncertain significance for Tourette syndrome. Last evaluated: 2017-04-27. Review status: criteria provided, single submitter. Criteria: ICSL Variant Classification Criteria 13 December 2019. Collection method: clinical testing. Allele origin: germline.
Comment: This variant was observed as part of a predisposition screen in an ostensibly healthy population. A literature search was performed for the gene, cDNA change, and amino acid change (where applicable). Publications were found based on this search. However, the evidence from the literature, in combination with allele frequency data from public databases where available, was not sufficient to rule this variant in or out of causing disease. Therefore, this variant is classified as a variant of unknown significance.

Literature cited by the submitters: PubMed 19018236.

NM_001281503.2(SLITRK1):c.*1292G>A

Gene: SLITRK1 (SLIT and NTRK like family member 1; minus strand). Cytogenetic location: 13q31.1.
Variant type: single nucleotide variant.
Coding change: c.*1292G>A on transcript NM_001281503.2 (MANE Select); 1292 bases downstream of the stop codon, G replaced by A.
Molecular consequence: 3 prime UTR variant.
Genome position (GRCh38, 1-based): chr13:83,878,125, C>T on the plus strand (G>A on the coding strand, the complement: SLITRK1 is on the minus strand). VCF-style: chr13-83878125-C-T. GRCh37 (hg19) VCF-style: chr13-84452260-C-T.
Other names: c.*1292G>A (NM_052910.2).
Identifiers: ClinVar variation 883333 (VCV000883333.4), dbSNP rs763748811, ClinGen allele CA253149803.
Genomic context (GRCh38, chr13:83,878,125, plus strand): 5'-GGCGAGGGAAGAGGAGCTACTTAAAGGGTAAAAAGCTAAGTAAGGCGATTAGAGAAAGAG[C>T]CTTAATGTAGCTCAGGAAGGGATCTAACCCCAACCGTTTCCCTCCCCTGTCTCTTCCACC-3'